The following is an entry in ClinVar:

ClinVar aggregate classification (germline): Uncertain significance. Review status: criteria provided, multiple submitters, no conflicts (2 of 4 stars). 2 submissions from 2 submitters: Uncertain significance (2). Last evaluated 2025-05-13.

Conditions:
Inborn genetic diseases. Identifiers: MedGen C0950123, MeSH D030342.

Allele frequency attached by ClinVar (database versions not stated): gnomAD exomes 0.00001; gnomAD 0.00007; TOPMed 0.00007.
gnomAD v4.1: 24 of 1,613,720 alleles (0.0015%); highest among the groups gnomAD compares: African/African-American, 0.028%; no homozygotes.

Submissions (2):

Labcorp Genetics (formerly Invitae), Labcorp
Classification: Uncertain significance. Last evaluated: 2025-05-13. Review status: criteria provided, single submitter. Criteria: Invitae Variant Classification Sherloc (09022015). Collection method: clinical testing. Allele origin: germline.
Comment: This sequence change replaces glutamic acid, which is acidic and polar, with lysine, which is basic and polar, at codon 1555 of the ROBO1 protein (p.Glu1555Lys). This variant is present in population databases (no rsID available, gnomAD 0.01%). This variant has not been reported in the literature in individuals affected with ROBO1-related conditions. ClinVar contains an entry for this variant (Variation ID: 2068756). Invitae Evidence Modeling of protein sequence and biophysical properties (such as structural, functional, and spatial information, amino acid conservation, physicochemical variation, residue mobility, and thermodynamic stability) indicates that this missense variant is not expected to disrupt ROBO1 protein function with a negative predictive value of 95%. In summary, the available evidence is currently insufficient to determine the role of this variant in disease. Therefore, it has been classified as a Variant of Uncertain Significance.

Ambry Genetics
Classification: Uncertain significance for Inborn genetic diseases. Last evaluated: 2022-06-28. Review status: criteria provided, single submitter. Criteria: Ambry Variant Classification Scheme 2023. Collection method: clinical testing. Allele origin: germline.

NM_002941.4(ROBO1):c.4663G>A (p.Glu1555Lys)

Gene: ROBO1 (roundabout guidance receptor 1; minus strand). Cytogenetic location: 3p12.3.
Variant type: single nucleotide variant.
Coding change: c.4663G>A on transcript NM_002941.4 (MANE Select); coding-DNA position 4663, G replaced by A.
Protein change: p.Glu1555Lys; replaces glutamic acid 1555 with lysine.
Molecular consequence: missense variant.
Genome position (GRCh38, 1-based): chr3:78,606,814, C>T on the plus strand (G>A on the coding strand, the complement: ROBO1 is on the minus strand). VCF-style: chr3-78606814-C-T. GRCh37 (hg19) VCF-style: chr3-78655964-C-T.
Other names: c.4528G>A, p.Glu1510Lys (NM_001145844.1, NM_133631.4); c.4363G>A, p.Glu1455Lys (NM_001145845.2); short protein forms E1455K, E1510K, E1555K.
Identifiers: ClinVar variation 2068756 (VCV002068756.5), dbSNP rs1222854966, ClinGen allele CA353683321.
Genomic context (GRCh38, chr3:78,606,814, plus strand): 5'-CTGGTGGAAGGTCTCGTTTTGCTGCCTTGTTTCCACGTCCTTTCCCGTCATTTTGCTGTT[C>T]CTGTGCTTCTCTGGGATCACCTGGATTTGTTCGCATGTCAACAACCTGTCTTCCATCCAA-3'
Protein context (NP_002932.1, residues 1545-1565): TNPGDPREAQ[Glu1555Lys]QQNDGKGRGN